The following is an entry in ClinVar:

NM_001042492.3(NF1):c.557A>T (p.Asp186Val)

Gene: NF1 (neurofibromin 1; plus strand). Cytogenetic location: 17q11.2.
Variant type: single nucleotide variant.
Coding change: c.557A>T on transcript NM_001042492.3 (MANE Select); coding-DNA position 557, A replaced by T.
Protein change: p.Asp186Val; replaces aspartic acid 186 with valine.
Molecular consequence: missense variant.
Genome position (GRCh38, 1-based): chr17:31,169,968, A>T. VCF-style: chr17-31169968-A-T. GRCh37 (hg19) VCF-style: chr17-29496986-A-T.
Other names: c.557A>T, p.Asp186Val (NM_000267.4, NM_001128147.3); short protein forms D186V.
Identifiers: ClinVar variation 582722 (VCV000582722.5), dbSNP rs1567820771, ClinGen allele CA398985295.

ClinVar aggregate classification (germline): Likely pathogenic (1 of 4 stars; one submission).

Conditions:
Neurofibromatosis, type 1 (NF1). Also called: Peripheral type neurofibromatosis; VON RECKLINGHAUSEN DISEASE; NEUROFIBROMATOSIS, TYPE I, SOMATIC; Neurofibromatosis, type I. Identifiers: Orphanet 636, MedGen C0027831, MONDO:0018975, OMIM 162200. Disease mechanism: loss of function.

Submission:

Labcorp Genetics (formerly Invitae), Labcorp
Classification: Likely pathogenic for Neurofibromatosis, type 1. Last evaluated: 2023-04-05. Review status: criteria provided, single submitter. Criteria: Invitae Variant Classification Sherloc (09022015). Collection method: clinical testing. Allele origin: germline.
Comment: This variant is not present in population databases (gnomAD no frequency). This missense change has been observed in individual(s) with clinical features of neurofibromatosis type I (PMID: 18546366; Invitae). ClinVar contains an entry for this variant (Variation ID: 582722). Advanced modeling of protein sequence and biophysical properties (such as structural, functional, and spatial information, amino acid conservation, physicochemical variation, residue mobility, and thermodynamic stability) performed at Invitae indicates that this missense variant is expected to disrupt NF1 protein function. Studies have shown that this missense change is associated with altered splicing resulting in multiple RNA products (PMID: 15523642). In summary, the currently available evidence indicates that the variant is pathogenic, but additional data are needed to prove that conclusively. Therefore, this variant has been classified as Likely Pathogenic. This sequence change replaces aspartic acid, which is acidic and polar, with valine, which is neutral and non-polar, at codon 186 of the NF1 protein (p.Asp186Val).

Literature cited by the submitters: PubMed 18546366; PubMed 15523642.